The following is an entry in ClinVar:

NM_000298.6(PKLR):c.1178A>G (p.Asn393Ser)

Gene: PKLR (pyruvate kinase L/R; minus strand). Cytogenetic location: 1q22.
Variant type: single nucleotide variant.
Coding change: c.1178A>G on transcript NM_000298.6 (MANE Select); coding-DNA position 1178, A replaced by G.
Protein change: p.Asn393Ser; replaces asparagine 393 with serine.
Molecular consequence: missense variant.
Genome position (GRCh38, 1-based): chr1:155,293,529, T>C on the plus strand (A>G on the coding strand, the complement: PKLR is on the minus strand). VCF-style: chr1-155293529-T-C. GRCh37 (hg19) VCF-style: chr1-155263320-T-C.
Other names: p.Asn393Ser; c.1085A>G, p.Asn362Ser (NM_181871.4); short protein forms N362S, N393S.
Identifiers: ClinVar variation 1187215 (VCV001187215.11), dbSNP rs776594413, ClinGen allele CA1144073.

ClinVar aggregate classification (germline): Pathogenic/Likely pathogenic. Review status: criteria provided, multiple submitters, no conflicts (2 of 4 stars). 8 submissions from 8 submitters: Pathogenic (1); Likely pathogenic (7). Last evaluated 2026-05-28.

Conditions:
Pyruvate kinase deficiency of red cells (CNSHA2). Also called: Pyruvate kinase deficiency, Amish type; PK DEFICIENCY; PYRUVATE KINASE DEFICIENCY OF ERYTHROCYTE. Identifiers: Orphanet 766, MedGen C0340968, MONDO:0009950, OMIM 266200.
Pyruvate kinase hyperactivity. Identifiers: MedGen C1863224, MONDO:0007067, OMIM 102900.
PKLR-related disorder. Also called: PKLR-related condition.

Allele frequency attached by ClinVar (database versions not stated): TOPMed below 0.00001; ExAC 0.00001; gnomAD 0.00001; gnomAD exomes 0.00001.

Submissions (8):

PreventionGenetics, part of Exact Sciences
Classification: Likely pathogenic for PKLR-related condition. Last evaluated: 2026-05-28. Review status: criteria provided, single submitter. Criteria: ACMG Guidelines, 2015. Collection method: clinical testing. Allele origin: germline.
Comment: The PKLR c.1178A>G variant is predicted to result in the amino acid substitution p.Asn393Ser. This variant was reported in individuals with pyruvate kinase deficiency (Baronciani et al. 1995. PubMed ID: 7706479; Roy et al. 2016. PubMed ID: 27432187). This variant is reported in 0.0018% of alleles in individuals of European (Non-Finnish) descent in gnomAD. Alternate missense changes at this amino acid (p.Asn393Lys and p.Asn393Asp) have also been reported in association with pyruvate kinase deficiency (Baronciani et al. 1995. PubMed ID: 7706479; Pissard et al. 2006. PubMed ID: 16704447). The p.Asn393Ser variant is interpreted as likely pathogenic.

Labcorp Genetics (formerly Invitae), Labcorp
Classification: Pathogenic. Last evaluated: 2025-05-15. Review status: criteria provided, single submitter. Criteria: Invitae Variant Classification Sherloc (09022015). Collection method: clinical testing. Allele origin: germline.
Comment: This sequence change replaces asparagine, which is neutral and polar, with serine, which is neutral and polar, at codon 393 of the PKLR protein (p.Asn393Ser). This variant is present in population databases (rs776594413, gnomAD 0.002%). This missense change has been observed in individual(s) with clinical features of pyruvate kinase deficiency (PMID: 7706479, 16704447, 17360088, 27432187, 31747117). ClinVar contains an entry for this variant (Variation ID: 1187215). Invitae Evidence Modeling of protein sequence and biophysical properties (such as structural, functional, and spatial information, amino acid conservation, physicochemical variation, residue mobility, and thermodynamic stability) has been performed for this missense variant. However, the output from this modeling did not meet the statistical confidence thresholds required to predict the impact of this variant on PKLR protein function. This variant disrupts the p.Asn393 amino acid residue in PKLR. Other variant(s) that disrupt this residue have been observed in individuals with PKLR-related conditions (PMID: 7706479, 16704447), which suggests that this may be a clinically significant amino acid residue. For these reasons, this variant has been classified as Pathogenic.

Mayo Clinic Laboratories, Mayo Clinic
Classification: Likely pathogenic. Last evaluated: 2025-05-15. Review status: criteria provided, single submitter. Criteria: ACMG Guidelines, 2015. Collection method: clinical testing. Allele origin: germline. Observed: 2 variant alleles.
Comment: PP3_moderate, PM2_supporting, PM3_strong

ARUP Laboratories, Molecular Genetics and Genomics, ARUP Laboratories
Classification: Likely pathogenic. Last evaluated: 2024-04-03. Review status: criteria provided, single submitter. Criteria: ARUP Molecular Germline Variant Investigation Process 2024. Collection method: clinical testing. Allele origin: germline.
Comment: The PKLR c.1178A>G; p.Asn393Ser variant (rs776594413) is reported in the literature in at least three individuals affected with pyruvate kinase deficiency (Baronciani and Beutler 1995, Qin 2020, Roy 2016). It was also shown to segregate with disease in one family, and detected together with a presumably pathogenic frameshift variant (Qin 2020, Roy 2016). Other variants at this codon (c.1177A>G,p.N393D; c.1179T>A,p.N393K) have also been reported in individuals with hemolytic anemia (Baronciani and Beutler 1995, Pissard 2006). This variant is also reported in ClinVar (Variation ID: 1187215). This variant is found in the general population with an overall allele frequency of 0.0008% (2/251,438 alleles) in the Genome Aggregation Database. Computational analyses predict that this variant is deleterious (REVEL: 0.875). Based on available information, this variant is considered to be likely pathogenic. References: Baronciani L, and E Beutler. Molecular study of pyruvate kinase deficient patients with hereditary nonspherocytic hemolytic anemia. J Clin Invest. 1995 Apr. PMID: 7706479. Pissard S et al. Pyruvate kinase deficiency in France: a 3-year study reveals 27 new mutations. Br J Haematol. 2006 Jun. PMID: 16704447. Qin L et al. Novel PLKR mutations in four families with pyruvate kinase deficiency. Int J Lab Hematol. 2020 Apr. PMID: 31747117. Roy NB et al. A novel 33-Gene targeted resequencing panel provides accurate, clinical-grade diagnosis and improves patient management for rare inherited anaemias. Br J Haematol. 2016 Oct. PMID: 27432187

Neuberg Centre For Genomic Medicine, NCGM
Classification: Likely pathogenic for Pyruvate kinase deficiency of red cells. Last evaluated: 2023-06-22. Review status: criteria provided, single submitter. Criteria: ACMG Guidelines, 2015. Collection method: clinical testing. Allele origin: germline. Inheritance: Autosomal recessive inheritance. Affected: yes.
Comment: The missense variant c.1178A>G(p.Asn393Ser) in PKLR gene has been observed in compound heterozygous state in multiple individual(s) with pyruvate kinase deficiency (Rab et. al., 2021; Van Wijk et. al., 2009). The observed variant has allele frequency of 0.0008% in gnomAD exomes database. This variant has been submitted to the ClinVar database as Likely Pathogenic (multiple submitters). Multiple lines of computational evidence (Polyphen - probably damaging, SIFT - damaging and MutationTaster - disease causing) predict a damaging effect on protein structure and function for this variant. The reference amino acid change p.Asn393Ser in PKLR is predicted as conserved by GERP++ and PhyloP across 100 vertebrates. Different missense changes at the same codon (p.Asn393Asp, p.Asn393Lys) have been reported to be associated with PKLR related disorder (Baronciani et. al, 1995). The amino acid Asn at position 393 is changed to a Ser changing protein sequence and it might alter its composition and physico-chemical properties. However, functional studies will be required to cofirm the pathogenicity of the variant. For these reasons, this variant has been classified as Likely Pathogenic.

3billion
Classification: Likely pathogenic for Pyruvate kinase deficiency of red cells. Last evaluated: 2022-05-22. Review status: criteria provided, single submitter. Criteria: ACMG Guidelines, 2015. Collection method: clinical testing. Allele origin: germline. Affected: yes. Observed: 1 homozygote.
Comment: The variant is observed at an extremely low frequency in the gnomAD v2.1.1 dataset (total allele frequency: <0.001%). Missense changes are a common disease-causing mechanism. In silico tool predictions suggest damaging effect of the variant on gene or gene product (REVEL: 0.88; 3Cnet: 0.94). Same nucleotide change resulting in same amino acid change has been previously reported to be associated with PKLR related disorder (ClinVar ID: VCV001187215 / PMID: 7706479). Different missense changes at the same codon (p.Asn393Asp, p.Asn393Lys) have been reported to be associated with PKLR related disorder (PMID: 16704447, 7706479). Therefore, this variant is classified as likely pathogenic according to the recommendation of ACMG/AMP guideline.

Mendelics
Classification: Likely pathogenic for Pyruvate kinase hyperactivity. Last evaluated: 2022-05-04. Review status: criteria provided, single submitter. Criteria: Mendelics Assertion Criteria 2019. Collection method: clinical testing. Allele origin: germline.

GeneDx
Classification: Likely pathogenic. Last evaluated: 2021-04-09. Review status: criteria provided, single submitter. Criteria: GeneDx Variant Classification Process June 2021. Collection method: clinical testing. Allele origin: germline. Affected: yes.
Comment: In silico analysis, which includes protein predictors and evolutionary conservation, supports a deleterious effect; Not observed at a significant frequency in large population cohorts (Lek et al., 2016); This variant is associated with the following publications: (PMID: 33054133, 31747117, 16540430, 19085939, 16704447, 27432187, 15982340, 7706479, 17382129)

Literature cited by the submitters: PubMed 7706479 (cited by 3 submitters); PubMed 16704447 (cited by 3 submitters); PubMed 17360088 (cited by Labcorp Genetics (formerly Invitae), Labcorp and Mayo Clinic Laboratories, Mayo Clinic); PubMed 27432187 (cited by Labcorp Genetics (formerly Invitae), Labcorp and Mayo Clinic Laboratories, Mayo Clinic); PubMed 31747117 (cited by Labcorp Genetics (formerly Invitae), Labcorp and Mayo Clinic Laboratories, Mayo Clinic); PubMed 39307622 (cited by Mayo Clinic Laboratories, Mayo Clinic).